The following is an entry in ClinVar:

ClinVar aggregate classification (germline): Uncertain significance (1 of 4 stars; one submission).

Conditions:
SGCB-related disorder. Also called: SGCB-related condition.

gnomAD v4.1: 2 of 1,614,122 alleles (0.00012%); highest among the groups gnomAD compares: African/African-American, 0.0027%; no homozygotes.

Submission:

PreventionGenetics, part of Exact Sciences
Classification: Uncertain significance for SGCB-related condition. Last evaluated: 2026-04-08. Review status: criteria provided, single submitter. Criteria: ACMG Guidelines, 2015. Collection method: clinical testing. Allele origin: germline.
Comment: The SGCB c.872C>T variant is predicted to result in the amino acid substitution p.Ala291Val. To our knowledge, this variant has not been reported in the literature or in a large population database (gnomAD), indicating this variant is rare. At this time, the clinical significance of this variant is uncertain due to the absence of conclusive functional and genetic evidence.

NM_000232.5(SGCB):c.872C>T (p.Ala291Val)

Gene: SGCB (sarcoglycan beta; minus strand). Cytogenetic location: 4q12.
Variant type: single nucleotide variant.
Coding change: c.872C>T on transcript NM_000232.5 (MANE Select); coding-DNA position 872, C replaced by T.
Protein change: p.Ala291Val; replaces alanine 291 with valine.
Molecular consequence: missense variant.
Genome position (GRCh38, 1-based): chr4:52,024,042, G>A on the plus strand (C>T on the coding strand, the complement: SGCB is on the minus strand). VCF-style: chr4-52024042-G-A. GRCh37 (hg19) VCF-style: chr4-52890208-G-A.
Other names: c.662C>T, p.Ala221Val (NM_001440519.1); c.575C>T, p.Ala192Val (NM_001440520.1); short protein forms A221V, A291V, A192V.
Identifiers: ClinVar variation 4999362 (VCV004999362.1).